The following is an entry in ClinVar:

NM_005318.4(H1-0):c.48C>T (p.Ala16=)

Gene: H1-0 (H1.0 linker histone; plus strand). Cytogenetic location: 22q13.1.
Variant type: single nucleotide variant.
Coding change: c.48C>T on transcript NM_005318.4 (MANE Select); coding-DNA position 48, C replaced by T.
Protein change: p.Ala16=; no amino-acid change (alanine 16 retained).
Molecular consequence: synonymous variant.
Genome position (GRCh38, 1-based): chr22:37,805,592, C>T. VCF-style: chr22-37805592-C-T. GRCh37 (hg19) VCF-style: chr22-38201599-C-T.
Identifiers: ClinVar variation 2653125 (VCV002653125.24), dbSNP rs755659680, ClinGen allele CA10225386.

ClinVar aggregate classification (germline): Likely benign (1 of 4 stars; one submission).

Allele frequency attached by ClinVar (database versions not stated): TOPMed 0.00007; ExAC 0.00008; gnomAD 0.00008.

Submission:

CeGaT Center for Human Genetics Tuebingen
Classification: Likely benign. Last evaluated: 2022-04-01. Review status: criteria provided, single submitter. Criteria: CeGaT Center For Human Genetics Tuebingen Variant Classification Criteria Version 2. Collection method: clinical testing. Allele origin: germline. Affected: yes. Observed: 1 variant allele.
Comment: H1-0: BP4, BP7